The following is an entry in ClinVar:

ClinVar aggregate classification (germline): Uncertain significance (1 of 4 stars; one submission).

gnomAD v4.1: 14 of 1,597,124 alleles (0.00088%); highest among the groups gnomAD compares: East Asian, 0.018%; no homozygotes.

Submission:

Women's Health and Genetics/Laboratory Corporation of America, LabCorp
Classification: Uncertain significance. Last evaluated: 2026-05-18. Review status: criteria provided, single submitter. Criteria: LabCorp Variant Classification Summary - May 2015. Collection method: clinical testing. Allele origin: germline.
Comment: Variant summary: ACAN c.100C>T (p.Pro34Ser) results in a non-conservative amino acid change in the encoded protein sequence. Algorithms developed to predict the effect of missense changes on protein structure and function are either unavailable or do not agree on the potential impact of this missense change. The variant allele was found at a frequency of 1.7e-05 in 235674 control chromosomes. The available data on variant occurrences in the general population are insufficient to allow any conclusion about variant significance. To our knowledge, no occurrence of c.100C>T in individuals affected with ACAN-related conditions and no experimental evidence demonstrating its impact on protein function have been reported. No submitters have cited clinical-significance assessments for this variant to ClinVar. Based on the evidence outlined above, the variant was classified as uncertain significance.

NM_001369268.1(ACAN):c.100C>T (p.Pro34Ser)

Gene: ACAN (aggrecan; plus strand). Cytogenetic location: 15q26.1.
Variant type: single nucleotide variant.
Coding change: c.100C>T on transcript NM_001369268.1 (MANE Select); coding-DNA position 100, C replaced by T.
Protein change: p.Pro34Ser; replaces proline 34 with serine.
Molecular consequence: missense variant.
Genome position (GRCh38, 1-based): chr15:88,838,692, C>T. VCF-style: chr15-88838692-C-T. GRCh37 (hg19) VCF-style: chr15-89381923-C-T.
Other names: c.100C>T, p.Pro34Ser (NM_001135.4, NM_001411096.1, NM_001411097.1 and 1 more transcripts); short protein forms P34S.
Identifiers: ClinVar variation 4853012 (VCV004853012.1).